The following is an entry in ClinVar:

NM_001458.5(FLNC):c.2743_2753del (p.Val914_Val915insTer)

Gene: FLNC (filamin C; plus strand). Cytogenetic location: 7q32.1.
Variant type: Deletion.
Coding change: c.2743_2753del on transcript NM_001458.5 (MANE Select); coding-DNA positions 2743 to 2753, 11 bases deleted (GTGCGGGACTT).
Protein change: p.Val914_Val915insTer.
Molecular consequence: nonsense.
Genome position (GRCh38, 1-based): chr7:128,843,509-128,843,519, GTGCGGGACTT deleted; deleting any 11 consecutive bases within chr7:128,843,507-128,843,519 gives the same sequence; the c. name uses the placement nearest the transcript's 3' end. VCF-style (leftmost placement, unchanged base first): chr7-128843506-GTTGTGCGGGAC-G. GRCh37 (hg19) VCF-style: chr7-128483560-GTTGTGCGGGAC-G.
Other names: c.2743_2753del, p.Val914_Val915insTer (NM_001127487.2).
Identifiers: ClinVar variation 1454107 (VCV001454107.6), dbSNP rs2128936006, ClinGen allele CA2573141718.
Genomic context (GRCh38, chr7:128,843,506, plus strand): 5'-ACCAAGGGAGCCGGCAAGGCCAAGCTGGATGTGCAGTTTGCAGGGACAGCCAAGGGCGAG[GTTGTGCGGGAC>G]TTTGAGATCATAGACAACCATGACTACTCCTACACTGTCAAGTACACCGCTGTCCAGCAG-3'

ClinVar aggregate classification (germline): Pathogenic (1 of 4 stars; one submission).

Conditions:
Distal myopathy with posterior leg and anterior hand involvement. Also called: WILLIAMS DISTAL MYOPATHY. Identifiers: Orphanet 63273, MedGen C3279722, MONDO:0013550, OMIM 614065.
Hypertrophic cardiomyopathy 26. Also called: Cardiomyopathy, familial hypertrophic, 26. Identifiers: Orphanet 75249, MedGen C4310749, MONDO:0014883, OMIM 617047.
Myofibrillar myopathy 5. Also called: FILAMINOPATHY, AUTOSOMAL DOMINANT; Filaminopathy (type). Identifiers: Orphanet 171445, MedGen C1836050, MONDO:0012289, OMIM 609524.

Submission:

Labcorp Genetics (formerly Invitae), Labcorp
Classification: Pathogenic for Distal myopathy with posterior leg and anterior hand involvement; Myofibrillar myopathy 5; Hypertrophic cardiomyopathy 26. Last evaluated: 2025-01-17. Review status: criteria provided, single submitter. Criteria: Invitae Variant Classification Sherloc (09022015). Collection method: clinical testing. Allele origin: germline.
Comment: This sequence change creates a premature translational stop signal (p.Val915*) in the FLNC gene. It is expected to result in an absent or disrupted protein product. Loss-of-function variants in FLNC are known to be pathogenic (PMID: 27908349). This variant is not present in population databases (gnomAD no frequency). This variant has not been reported in the literature in individuals affected with FLNC-related conditions. ClinVar contains an entry for this variant (Variation ID: 1454107). For these reasons, this variant has been classified as Pathogenic.

Literature cited by the submitters: PubMed 27908349.